The following is an entry in ClinVar:

ClinVar aggregate classification (germline): Uncertain significance (1 of 4 stars; one submission).

Conditions:
Alstrom syndrome (ALMS). Identifiers: Orphanet 64, MedGen C0268425, MONDO:0008763, OMIM 203800.

Allele frequency attached by ClinVar (database versions not stated): TOPMed 0.00001.

Submission:

Labcorp Genetics (formerly Invitae), Labcorp
Classification: Uncertain significance for Alstrom syndrome. Last evaluated: 2021-12-27. Review status: criteria provided, single submitter. Criteria: Invitae Variant Classification Sherloc (09022015). Collection method: clinical testing. Allele origin: germline.
Comment: This variant has not been reported in the literature in individuals affected with ALMS1-related conditions. In summary, the available evidence is currently insufficient to determine the role of this variant in disease. Therefore, it has been classified as a Variant of Uncertain Significance. Experimental studies and prediction algorithms are not available or were not evaluated, and the functional significance of this variant is currently unknown. This variant is not present in population databases (gnomAD no frequency). This sequence change replaces serine, which is neutral and polar, with asparagine, which is neutral and polar, at codon 3579 of the ALMS1 protein (p.Ser3579Asn).

NM_001378454.1(ALMS1):c.10733G>A (p.Ser3578Asn)

Gene: ALMS1 (ALMS1 centrosome and basal body associated protein; plus strand). Cytogenetic location: 2p13.1.
Variant type: single nucleotide variant.
Coding change: c.10733G>A on transcript NM_001378454.1 (MANE Select); coding-DNA position 10733, G replaced by A.
Protein change: p.Ser3578Asn; replaces serine 3578 with asparagine.
Molecular consequence: missense variant.
Genome position (GRCh38, 1-based): chr2:73,572,610, G>A. VCF-style: chr2-73572610-G-A. GRCh37 (hg19) VCF-style: chr2-73799737-G-A.
Other names: c.10736G>A, p.Ser3579Asn (NM_015120.4); short protein forms S3579N, S3578N.
Identifiers: ClinVar variation 2181667 (VCV002181667.4), dbSNP rs1468847089, ClinGen allele CA347285155.
Genomic context (GRCh38, chr2:73,572,610, plus strand): 5'-AAGTGATGGATACTACTAAAAGTCAAGTTAGAGATTATCCAAAACATAATGGACAAATTA[G>A]TGATCCACAAAGGGATCAGAAGGTCACCCCAGAGCAAACAACTCAGCACACTGTGAGTTT-3'
Protein context (NP_001365383.1, residues 3568-3588): RDYPKHNGQI[Ser3578Asn]DPQRDQKVTP